The following is an entry in ClinVar:

ClinVar aggregate classification (germline): Benign (1 of 4 stars; one submission).

Conditions:
Familial cancer of breast. Also called: Hereditary breast cancer; hereditary breast carcinoma; BREAST CANCER, FAMILIAL. Identifiers: Orphanet 227535, MedGen C0346153, MONDO:0016419, OMIM 114480. Disease mechanism: loss of function.

Submission:

Myriad Genetics, Inc.
Classification: Benign for Familial cancer of breast. Last evaluated: 2025-01-14. Review status: criteria provided, single submitter. Criteria: Myriad Autosomal Dominant, Autosomal Recessive and X-Linked Classification Criteria (2023). Collection method: clinical testing. Allele origin: unknown.
Comment: This variant is considered benign. This variant is a silent/synonymous amino acid change and it is not expected to impact splicing.

NM_024675.4(PALB2):c.1719T>A (p.Leu573=)

Gene: PALB2 (partner and localizer of BRCA2; minus strand). Cytogenetic location: 16p12.2.
Variant type: single nucleotide variant.
Coding change: c.1719T>A on transcript NM_024675.4 (MANE Select); coding-DNA position 1719, T replaced by A.
Protein change: p.Leu573=; no amino-acid change (leucine 573 retained).
Molecular consequence: synonymous variant. On other transcripts: 5 prime UTR variant (2), intron variant (1).
Genome position (GRCh38, 1-based): chr16:23,630,435, A>T on the plus strand (T>A on the coding strand, the complement: PALB2 is on the minus strand). VCF-style: chr16-23630435-A-T. GRCh37 (hg19) VCF-style: chr16-23641756-A-T.
Other names: c.1659T>A, p.Leu553= (NM_001407296.1); c.1719T>A, p.Leu573= (NM_001407297.1, NM_001407298.1, NM_001407299.1 and 3 more transcripts); c.834T>A, p.Leu278= (NM_001407304.1, NM_001407305.1, NM_001407306.1 and 5 more transcripts); c.-70T>A (NM_001407312.1, NM_001407313.1); c.49-1160T>A (NM_001407314.1).
Identifiers: ClinVar variation 3903900 (VCV003903900.1).
Genomic context (GRCh38, chr16:23,630,435, plus strand): 5'-ATGAAATGGAGCCGTGAAAGCATCATCATCCAAGGATAAATAAGCACTATTACTCCAAGA[A>T]AGGGAATCCTCTTTTTGATGACGACTTTTCTTCCCTAAAGAAGAAAAATAAGTCACAAAA-3'
Protein context (NP_078951.2, residues 563-583): KKSRHQKEDS[Leu573=]SWSNSAYLSL